The following is an entry in ClinVar:

ClinVar aggregate classification (germline): Pathogenic (1 of 4 stars; one submission).

Conditions:
Hereditary cancer-predisposing syndrome. Also called: Neoplastic Syndromes, Hereditary; Hereditary neoplastic syndrome; Tumor predisposition; Hereditary Cancer Syndrome. Identifiers: Orphanet 140162, MedGen C0027672, MeSH D009386, MONDO:0015356.

Submission:

Ambry Genetics
Classification: Pathogenic for Hereditary cancer-predisposing syndrome. Last evaluated: 2015-04-05. Review status: criteria provided, single submitter. Criteria: Ambry Variant Classification Scheme 2023. Collection method: clinical testing. Allele origin: germline.
Comment: The c.8514dupA pathogenic mutation, located in coding exon 57 of the ATM gene, results from a duplication of A at nucleotide position 8514, causing a translational frameshift with a predicted alternate stop codon. Since frameshifts are typically deleterious in nature, this alteration is interpreted as a disease-causing mutation (ACMG Recommendations for Standards for Interpretation and Reporting of Sequence Variations. Revision 2007. Genet Med. 2008;10:294).

NM_000051.4(ATM):c.8514dup (p.Phe2839fs)

Genes: ATM (ATM serine/threonine kinase; plus strand), C11orf65 (chromosome 11 open reading frame 65; minus strand). Cytogenetic location: 11q22.3.
Variant type: Duplication.
Coding change: c.8514dup on transcript NM_000051.4 (MANE Select); coding-DNA position 8514, one base duplicated (A; older notation c.8514dupA).
Protein change: p.Phe2839fs; shifts the reading frame from phenylalanine 2839.
Molecular consequence: frameshift variant. On other transcripts: intron variant (2).
Genome position (GRCh38, 1-based): chr11:108,345,838, A duplicated; the last of 5 consecutive A bases (chr11:108,345,834-108,345,838); duplicating any one gives the same sequence. VCF-style (leftmost placement, unchanged base first): chr11-108345833-G-GA. GRCh37 (hg19) VCF-style: chr11-108216560-G-GA.
Other names: c.8514dup, p.Phe2839fs (NM_001351834.2); c.641-36763dup (NM_001330368.2); c.695-10542dup (NM_001351110.2); c.8514dupA (NM_000051.3); short protein forms F2839fs.
Identifiers: ClinVar variation 231189 (VCV000231189.7), dbSNP rs876659010, ClinGen allele CA10579301.